The following is an entry in ClinVar:

ClinVar aggregate classification (germline): Uncertain significance (1 of 4 stars; one submission).

Conditions:
Hereditary hemorrhagic telangiectasia (HHT). Also called: ORW DISEASE; Osler Weber Rendu syndrome; OSLER-RENDU-WEBER DISEASE; Osler hemorrhagic telangiectasia syndrome. Identifiers: Orphanet 774, MedGen C0039445, MONDO:0019180. Disease mechanism: loss of function.

Allele frequency attached by ClinVar (database versions not stated): gnomAD 0.00001; 1000 Genomes Project 30x 0.00031; gnomAD exomes below 0.00001.
gnomAD v4.1: 2 of 1,614,066 alleles (0.00012%); highest among the groups gnomAD compares: South Asian, 0.0011%; no homozygotes.

Submission:

Labcorp Genetics (formerly Invitae), Labcorp
Classification: Uncertain significance for Hereditary hemorrhagic telangiectasia. Last evaluated: 2022-03-08. Review status: criteria provided, single submitter. Criteria: Invitae Variant Classification Sherloc (09022015). Collection method: clinical testing. Allele origin: germline.
Comment: In summary, the available evidence is currently insufficient to determine the role of this variant in disease. Therefore, it has been classified as a Variant of Uncertain Significance. Advanced modeling of protein sequence and biophysical properties (such as structural, functional, and spatial information, amino acid conservation, physicochemical variation, residue mobility, and thermodynamic stability) performed at Invitae indicates that this missense variant is not expected to disrupt ENG protein function. ClinVar contains an entry for this variant (Variation ID: 458341). This variant has not been reported in the literature in individuals affected with ENG-related conditions. This variant is not present in population databases (gnomAD no frequency). This sequence change replaces threonine, which is neutral and polar, with alanine, which is neutral and non-polar, at codon 567 of the ENG protein (p.Thr567Ala).

NM_001114753.3(ENG):c.1699A>G (p.Thr567Ala)

Genes: ENG (endoglin; minus strand), LOC102723566 (uncharacterized LOC102723566; plus strand). Cytogenetic location: 9q34.11.
Variant type: single nucleotide variant.
Coding change: c.1699A>G on transcript NM_001114753.3 (MANE Select); coding-DNA position 1699, A replaced by G.
Protein change: p.Thr567Ala; replaces threonine 567 with alanine.
Molecular consequence: missense variant. On other transcripts: non-coding transcript variant (1).
Genome position (GRCh38, 1-based): chr9:127,817,191, T>C on the plus strand (A>G on the coding strand, the complement: ENG is on the minus strand). VCF-style: chr9-127817191-T-C. GRCh37 (hg19) VCF-style: chr9-130579470-T-C.
Other names: c.1699A>G, p.Thr567Ala (NM_000118.4); c.1153A>G, p.Thr385Ala (NM_001278138.2); short protein forms T567A, T385A.
Identifiers: ClinVar variation 458341 (VCV000458341.10), dbSNP rs1554809101, ClinGen allele CA374973703.
Genomic context (GRCh38, chr9:127,817,191, plus strand): 5'-GACCTGGAGGGAGCTCACCAGACAGGTCAGGGCTGATGATGTTCAAGCGCATGAAGACAG[T>C]CCTATGGACTTCCTGGAGGAGAAAGAGAGAGCAGTATGTGGCACCTTTGGGAGGCGGCTT-3'
Protein context (NP_001108225.1, residues 557-577): TGSQDQEVHR[Thr567Ala]VFMRLNIISP